The following is an entry in ClinVar:

NM_000256.3(MYBPC3):c.1625-2A>G

Gene: MYBPC3 (myosin binding protein C3; minus strand). Cytogenetic location: 11p11.2.
Variant type: single nucleotide variant.
Coding change: c.1625-2A>G on transcript NM_000256.3 (MANE Select); the canonical splice acceptor site of the intron before coding-DNA position 1625, A replaced by G.
Molecular consequence: splice acceptor variant.
Genome position (GRCh38, 1-based): chr11:47,342,158, T>C on the plus strand (A>G on the coding strand, the complement: MYBPC3 is on the minus strand). VCF-style: chr11-47342158-T-C. GRCh37 (hg19) VCF-style: chr11-47363709-T-C.
Identifiers: ClinVar variation 684781 (VCV000684781.4), dbSNP rs112917345, ClinGen allele CA221695155.

ClinVar aggregate classification (germline): Pathogenic (1 of 4 stars; one submission).

Conditions:
Cardiovascular phenotype. Identifiers: MedGen CN230736.

Submission:

Molecular Diagnostic Laboratory for Inherited Cardiovascular Disease, Montreal Heart Institute
Classification: Pathogenic for Cardiovascular phenotype. Last evaluated: 2024-12-04. Review status: criteria provided, single submitter. Criteria: ACMG Guidelines, 2015. Collection method: clinical testing. Allele origin: germline. Affected: yes.
Comment: PVS1, PM2, PS4_supp, PP1